The following is an entry in ClinVar:

ClinVar aggregate classification (germline): Pathogenic (1 of 4 stars; one submission).

Submission:

Labcorp Genetics (formerly Invitae), Labcorp
Classification: Pathogenic. Last evaluated: 2022-05-11. Review status: criteria provided, single submitter. Criteria: Invitae Variant Classification Sherloc (09022015). Collection method: clinical testing. Allele origin: germline.
Comment: ClinVar contains an entry for this variant (Variation ID: 580524). For these reasons, this variant has been classified as Pathogenic. Algorithms developed to predict the effect of sequence changes on RNA splicing suggest that this variant may disrupt the consensus splice site. This variant has not been reported in the literature in individuals affected with POLE-related conditions. This variant is not present in population databases (gnomAD no frequency). This sequence change creates a premature translational stop signal (p.Glu450Aspfs*49) in the POLE gene. It is expected to result in an absent or disrupted protein product. Loss-of-function variants in POLE are known to be pathogenic (PMID: 23230001, 25948378, 30503519).

Literature cited by the submitters: PubMed 23230001; PubMed 25948378; PubMed 30503519.

NM_006231.4(POLE):c.1350_1360del (p.Glu450fs)

Gene: POLE (DNA polymerase epsilon, catalytic subunit; minus strand). Cytogenetic location: 12q24.33.
Variant type: Deletion.
Coding change: c.1350_1360del on transcript NM_006231.4 (MANE Select); coding-DNA positions 1350 to 1360, 11 bases deleted (AGCAGCCCCAG).
Protein change: p.Glu450fs; shifts the reading frame from glutamic acid 450.
Molecular consequence: frameshift variant.
Genome position (GRCh38, 1-based): chr12:132,673,575-132,673,585, CTGGGGCTGCT deleted on the plus strand (AGCAGCCCCAG on the coding strand, the reverse complement: POLE is on the minus strand); deleting any 11 consecutive bases within chr12:132,673,575-132,673,586 gives the same sequence; the c. name uses the placement nearest the transcript's 3' end. VCF-style (leftmost placement, unchanged base first): chr12-132673574-CCTGGGGCTGCT-C. GRCh37 (hg19) VCF-style: chr12-133250160-CCTGGGGCTGCT-C.
Other names: c.1349_1359delAGCAGCCCCAG (NM_006231.3); short protein forms E450fs.
Identifiers: ClinVar variation 580524 (VCV000580524.8), dbSNP rs1565973030, ClinGen allele CA891844347.